The following is an entry in ClinVar:

NM_005068.3(SIM1):c.2008A>G (p.Ser670Gly)

Gene: SIM1 (SIM bHLH transcription factor 1; minus strand). Cytogenetic location: 6q16.3.
Variant type: single nucleotide variant.
Coding change: c.2008A>G on transcript NM_005068.3 (MANE Select); coding-DNA position 2008, A replaced by G.
Protein change: p.Ser670Gly; replaces serine 670 with glycine.
Molecular consequence: missense variant.
Genome position (GRCh38, 1-based): chr6:100,390,654, T>C on the plus strand (A>G on the coding strand, the complement: SIM1 is on the minus strand). VCF-style: chr6-100390654-T-C. GRCh37 (hg19) VCF-style: chr6-100838530-T-C.
Other names: c.2008A>G, p.Ser670Gly (NM_001374769.1); short protein forms S670G.
Identifiers: ClinVar variation 1702730 (VCV001702730.3), dbSNP rs1291285188, ClinGen allele CA365297854.
Genomic context (GRCh38, chr6:100,390,654, plus strand): 5'-CTCCTGCTGTCTGATGAGGAGATATATCCGAATGCAGATAGTCTTTAGCTAGGATCAAAC[T>C]GGATTTTGAAATGCGATCCGAATTGGGACTACTTATCCGAGATAGTGCGGTGGGACTGTT-3'
Protein context (NP_005059.2, residues 660-680): SPNSDRISKS[Ser670Gly]LILAKDYLHS

ClinVar aggregate classification (germline): Uncertain significance (1 of 4 stars; one submission).

Allele frequency attached by ClinVar (database versions not stated): gnomAD exomes below 0.00001; gnomAD 0.00001.
gnomAD v4.1: 2 of 1,614,082 alleles (0.00012%); highest among the groups gnomAD compares: East Asian, 0.0022%; no homozygotes.

Submission:

GeneDx
Classification: Uncertain significance. Last evaluated: 2024-06-11. Review status: criteria provided, single submitter. Criteria: GeneDx Variant Classification Process June 2021. Collection method: clinical testing. Allele origin: germline.
Comment: Not observed at significant frequency in large population cohorts (gnomAD); In silico analysis indicates that this missense variant does not alter protein structure/function; Has not been previously published as pathogenic or benign to our knowledge